The following is an entry in ClinVar:

ClinVar aggregate classification (germline): Uncertain significance (1 of 4 stars; one submission).

Conditions:
Hereditary cancer-predisposing syndrome. Also called: Neoplastic Syndromes, Hereditary; Tumor predisposition; Hereditary neoplastic syndrome; Hereditary Cancer Syndrome. Identifiers: Orphanet 140162, MedGen C0027672, MeSH D009386, MONDO:0015356.

Submission:

Ambry Genetics
Classification: Uncertain significance for Hereditary cancer-predisposing syndrome. Last evaluated: 2026-07-27. Review status: criteria provided, single submitter. Criteria: Ambry Variant Classification Scheme 2023. Collection method: clinical testing. Allele origin: germline.
Comment: The p.R974T variant (also known as c.2921G>C), located in coding exon 4 of the MSH6 gene, results from a G to C substitution at nucleotide position 2921. The arginine at codon 974 is replaced by threonine, an amino acid with similar properties. This amino acid position is conserved. In addition, the in silico prediction for this alteration is inconclusive. Based on the available evidence, the clinical significance of this variant remains unclear.

NM_000179.3(MSH6):c.2921G>C (p.Arg974Thr)

Gene: MSH6 (mutS homolog 6; plus strand). Cytogenetic location: 2p16.3.
Variant type: single nucleotide variant.
Coding change: c.2921G>C on transcript NM_000179.3 (MANE Select); coding-DNA position 2921, G replaced by C.
Protein change: p.Arg974Thr; replaces arginine 974 with threonine.
Molecular consequence: missense variant. On other transcripts: non-coding transcript variant (5), intron variant (2).
Genome position (GRCh38, 1-based): chr2:47,800,904, G>C. VCF-style: chr2-47800904-G-C. GRCh37 (hg19) VCF-style: chr2-48028043-G-C.
Other names: c.2921G>C, p.Arg974Thr (NM_001406808.1, NM_001406809.1, NM_001406796.1 and 2 more transcripts); c.2015G>C, p.Arg672Thr (NM_001406811.1, NM_001406812.1, NM_001406814.1 and 6 more transcripts); c.2927G>C, p.Arg976Thr (NM_001406813.1); c.2624G>C, p.Arg875Thr (NM_001406818.1, NM_001406819.1, NM_001406820.1 and 10 more transcripts); c.2308+613G>C (NM_001406803.1); c.1606+1315G>C (NM_001406817.1); c.2531G>C, p.Arg844Thr (NM_001281492.2); c.3017G>C, p.Arg1006Thr (NM_001406795.1, NM_001406802.1); and 4 more; short protein forms R672T, R844T, R918T, R875T, R289T, R948T, R976T, R1006T.
Identifiers: ClinVar variation 5024919 (VCV005024919.1).
Genomic context (GRCh38, chr2:47,800,904, plus strand): 5'-ACCTAGAGAAACAGCGCAACAGAATTGGCTGTAGGACCATAGTCTATTGGGGGATTGGTA[G>C]GAACCGTTACCAGCTGGAAATTCCTGAGAATTTCACCACTCGCAATTTGCCAGAAGAATA-3'
Protein context (NP_000170.1, residues 964-984): CRTIVYWGIG[Arg974Thr]NRYQLEIPEN